The following is an entry in ClinVar:

ClinVar aggregate classification (germline): Conflicting classifications of pathogenicity. Review status: criteria provided, conflicting classifications (1 of 4 stars). 4 submissions from 4 submitters: Uncertain significance (2); Likely benign (2). Last evaluated 2025-11-06.

Conditions:
LRP2-related disorder. Also called: LRP2-related condition.
Donnai-Barrow syndrome. Also called: FACIOOCULOACOUSTICORENAL SYNDROME; DBS/FOAR SYNDROME. Identifiers: Orphanet 2143, MedGen C1857277, MONDO:0009104, OMIM 222448.

Allele frequency attached by ClinVar (database versions not stated): gnomAD exomes 0.00001 and 0.00009; gnomAD 0.00002; TOPMed 0.00003; ExAC 0.00006; 1000 Genomes Project 30x 0.00016; 1000 Genomes Project 0.00020.

Submissions (4):

Labcorp Genetics (formerly Invitae), Labcorp
Classification: Likely benign. Last evaluated: 2025-11-06. Review status: criteria provided, single submitter. Criteria: Invitae Variant Classification Sherloc (09022015). Collection method: clinical testing. Allele origin: germline.

PreventionGenetics, part of Exact Sciences
Classification: Uncertain significance for LRP2-related condition. Last evaluated: 2024-12-31. Review status: criteria provided, single submitter. Criteria: ACMG Guidelines, 2015. Collection method: clinical testing. Allele origin: germline.
Comment: The LRP2 c.1199A>G variant is predicted to result in the amino acid substitution p.Asn400Ser. This variant, along with variants in other genes, has been reported in a family with congenital cataracts; however, a frameshift variant in NHS was found to segregate with disease in this family (Wei et al. 2019. PubMed ID: 30942463). This variant is present in 0.13% of alleles in individuals of East Asian descent in gnomAD, which may be too common to be a primary cause of disease. Although we suspect that this variant may be benign, at this time, the clinical significance of this variant is uncertain due to the absence of conclusive functional and genetic evidence.

Fulgent Genetics
Classification: Uncertain significance for Donnai-Barrow syndrome. Last evaluated: 2024-04-25. Review status: criteria provided, single submitter. Criteria: ACMG Guidelines, 2015. Collection method: clinical testing. Allele origin: germline.

Blueprint Genetics
Classification: Likely benign. Last evaluated: 2020-02-07. Review status: criteria provided, single submitter. Criteria: ACMG Guidelines, 2015. Collection method: clinical testing. Allele origin: germline.

NM_004525.3(LRP2):c.1199A>G (p.Asn400Ser)

Gene: LRP2 (LDL receptor related protein 2; minus strand). Cytogenetic location: 2q31.1.
Variant type: single nucleotide variant.
Coding change: c.1199A>G on transcript NM_004525.3 (MANE Select); coding-DNA position 1199, A replaced by G.
Protein change: p.Asn400Ser; replaces asparagine 400 with serine.
Molecular consequence: missense variant.
Genome position (GRCh38, 1-based): chr2:169,280,492, T>C on the plus strand (A>G on the coding strand, the complement: LRP2 is on the minus strand). VCF-style: chr2-169280492-T-C. GRCh37 (hg19) VCF-style: chr2-170137002-T-C.
Other names: c.1199A>G (NM_004525.2); short protein forms N400S.
Identifiers: ClinVar variation 1624759 (VCV001624759.11), dbSNP rs532385139, ClinGen allele CA1955621.